The following is an entry in ClinVar:

ClinVar aggregate classification (germline): Uncertain significance (1 of 4 stars; one submission).

Allele frequency attached by ClinVar (database versions not stated): gnomAD exomes below 0.00001.
gnomAD v4.1: 3 of 1,612,070 alleles (0.00019%); highest among the groups gnomAD compares: Non-Finnish European, 0.00025%; no homozygotes.

Submission:

Labcorp Genetics (formerly Invitae), Labcorp
Classification: Uncertain significance. Last evaluated: 2023-06-27. Review status: criteria provided, single submitter. Criteria: Invitae Variant Classification Sherloc (09022015). Collection method: clinical testing. Allele origin: germline.
Comment: This sequence change falls in intron 3 of the SCN3A gene. It does not directly change the encoded amino acid sequence of the SCN3A protein. It affects a nucleotide within the consensus splice site. This variant is not present in population databases (gnomAD no frequency). This variant has not been reported in the literature in individuals affected with SCN3A-related conditions. Variants that disrupt the consensus splice site are a relatively common cause of aberrant splicing (PMID: 17576681, 9536098). Algorithms developed to predict the effect of sequence changes on RNA splicing suggest that this variant may create or strengthen a splice site. In summary, the available evidence is currently insufficient to determine the role of this variant in disease. Therefore, it has been classified as a Variant of Uncertain Significance.

Literature cited by the submitters: PubMed 17576681; PubMed 9536098.

NM_006922.4(SCN3A):c.264+4A>G

Gene: SCN3A (sodium voltage-gated channel alpha subunit 3; minus strand). Cytogenetic location: 2q24.3.
Variant type: single nucleotide variant.
Coding change: c.264+4A>G on transcript NM_006922.4 (MANE Select); 4 bases into the intron after coding-DNA position 264, A replaced by G.
Molecular consequence: intron variant.
Genome position (GRCh38, 1-based): chr2:165,176,127, T>C on the plus strand (A>G on the coding strand, the complement: SCN3A is on the minus strand). VCF-style: chr2-165176127-T-C. GRCh37 (hg19) VCF-style: chr2-166032637-T-C.
Other names: c.264+4A>G (NM_001081676.2, NM_001081677.2).
Identifiers: ClinVar variation 2729717 (VCV002729717.3), dbSNP rs2468563762, ClinGen allele CA2661729304.